The following is an entry in ClinVar:

ClinVar aggregate classification (germline): Uncertain significance. Review status: criteria provided, multiple submitters, no conflicts (2 of 4 stars). 2 submissions from 2 submitters: Uncertain significance (2). Last evaluated 2025-11-15.

Conditions:
CHRND-related disorder. Also called: CHRND-Related Disorders; CHRND-related condition.
Lethal multiple pterygium syndrome (LMPS). Identifiers: Orphanet 33108, MedGen C1854678, MONDO:0009668, OMIM 253290.

Allele frequency attached by ClinVar (database versions not stated): gnomAD 0.00001; TOPMed 0.00001; ExAC 0.00002; gnomAD exomes 0.00002.
gnomAD v4.1: 25 of 1,613,980 alleles (0.0015%); highest among the groups gnomAD compares: South Asian, 0.0033%; no homozygotes.

Submissions (2):

Labcorp Genetics (formerly Invitae), Labcorp
Classification: Uncertain significance for Lethal multiple pterygium syndrome. Last evaluated: 2025-11-15. Review status: criteria provided, single submitter. Criteria: Invitae Variant Classification Sherloc (09022015). Collection method: clinical testing. Allele origin: germline.
Comment: This sequence change replaces arginine, which is basic and polar, with cysteine, which is neutral and slightly polar, at codon 191 of the CHRND protein (p.Arg191Cys). This variant is present in population databases (rs778217557, gnomAD 0.006%). This variant has not been reported in the literature in individuals affected with CHRND-related conditions. ClinVar contains an entry for this variant (Variation ID: 657977). Invitae Evidence Modeling of protein sequence and biophysical properties (such as structural, functional, and spatial information, amino acid conservation, physicochemical variation, residue mobility, and thermodynamic stability) has been performed for this missense variant. However, the output from this modeling did not meet the statistical confidence thresholds required to predict the impact of this variant on CHRND protein function. In summary, the available evidence is currently insufficient to determine the role of this variant in disease. Therefore, it has been classified as a Variant of Uncertain Significance.

PreventionGenetics, part of Exact Sciences
Classification: Uncertain significance for CHRND-related condition. Last evaluated: 2022-12-09. Review status: criteria provided, single submitter. Criteria: ACMG Guidelines, 2015. Collection method: clinical testing. Allele origin: germline.
Comment: The CHRND c.571C>T variant is predicted to result in the amino acid substitution p.Arg191Cys. To our knowledge, this variant has not been reported in the literature. This variant is reported in 0.0039% of alleles in individuals of European (Non-Finnish) descent in gnomAD. At this time, the clinical significance of this variant is uncertain due to the absence of conclusive functional and genetic evidence.

NM_000751.3(CHRND):c.571C>T (p.Arg191Cys)

Gene: CHRND (cholinergic receptor nicotinic delta subunit; plus strand). Cytogenetic location: 2q37.1.
Variant type: single nucleotide variant.
Coding change: c.571C>T on transcript NM_000751.3 (MANE Select); coding-DNA position 571, C replaced by T.
Protein change: p.Arg191Cys; replaces arginine 191 with cysteine.
Molecular consequence: missense variant. On other transcripts: intron variant (1).
Genome position (GRCh38, 1-based): chr2:232,528,923, C>T. VCF-style: chr2-232528923-C-T. GRCh37 (hg19) VCF-style: chr2-233393633-C-T.
Other names: c.526C>T, p.Arg176Cys (NM_001256657.2); c.268C>T, p.Arg90Cys (NM_001311196.2); c.238+267C>T (NM_001311195.2); short protein forms R191C, R176C, R90C.
Identifiers: ClinVar variation 657977 (VCV000657977.9), dbSNP rs778217557, ClinGen allele CA2168068.